The following is an entry in ClinVar:

ClinVar aggregate classification (germline): Conflicting classifications of pathogenicity. Review status: criteria provided, conflicting classifications (1 of 4 stars). 7 submissions from 7 submitters: Uncertain significance (1); Benign (1); Likely benign (4). 1 of the submissions does not count toward it. Last evaluated 2025-11-24.

Conditions:
Ehlers-Danlos syndrome, classic type, 1 (EDSCL1). Also called: Ehlers-Danlos syndrome, type 1; EHLERS-DANLOS SYNDROME, GRAVIS TYPE; EHLERS-DANLOS SYNDROME, SEVERE CLASSIC TYPE; Ehlers-Danlos Syndrome, Classic Type, COL5A1-Related; EDS I. Identifiers: MedGen C0268335, MONDO:0019567, OMIM 130000.
COL5A1-related disorder. Also called: COL5A1-related condition.
Ehlers-Danlos syndrome, classic type (cEDS). Identifiers: Orphanet 287, MedGen C4225429, MONDO:0007522.
Familial thoracic aortic aneurysm and aortic dissection (TAAD). Also called: Thoracic aortic aneurysms and dissections. Identifiers: Orphanet 91387, MedGen C4707243, MONDO:0019625.

Allele frequency attached by ClinVar (database versions not stated): 1000 Genomes Project below 0.00001; gnomAD exomes 0.00002 and 0.00011; gnomAD 0.00003; TOPMed 0.00008; ExAC 0.00009; 1000 Genomes Project 30x 0.00016.
gnomAD v4.1: 41 of 1,614,030 alleles (0.0025%); highest among the groups gnomAD compares: Admixed American, 0.062%; no homozygotes.

Submissions (7):

Labcorp Genetics (formerly Invitae), Labcorp
Classification: Likely benign for Ehlers-Danlos syndrome, classic type, 1. Last evaluated: 2025-11-24. Review status: criteria provided, single submitter. Criteria: Invitae Variant Classification Sherloc (09022015). Collection method: clinical testing. Allele origin: germline.

Women's Health and Genetics/Laboratory Corporation of America, LabCorp
Classification: Benign. Last evaluated: 2023-10-19. Review status: criteria provided, single submitter. Criteria: LabCorp Variant Classification Summary - May 2015. Collection method: clinical testing. Allele origin: germline.
Comment: Variant summary: COL5A1 c.774T>C alters a non-conserved nucleotide resulting in a synonymous change. Consensus agreement among computation tools predict no significant impact on normal splicing. However, these predictions have yet to be confirmed by functional studies. The variant allele was found at a frequency of 0.00011 in 251460 control chromosomes, predominantly at a frequency of 0.00075 within the Latino subpopulation in the gnomAD database. The observed variant frequency within Latino control individuals in the gnomAD database is approximately 24-fold of the estimated maximal expected allele frequency for a pathogenic variant in COL5A1 causing Ehlers-Danlos Syndrome phenotype (3.1e-05), strongly suggesting that the variant is a benign polymorphism found primarily in populations of Latino origin. To our knowledge, no occurrence of c.774T>C in individuals affected with Ehlers-Danlos Syndrome and no experimental evidence demonstrating its impact on protein function have been reported. Four submitters have cited clinical-significance assessments for this variant to ClinVar after 2014. Based on the evidence outlined above, the variant was classified as benign.

Blueprint Genetics
Classification: Likely benign. Last evaluated: 2023-05-05. Review status: criteria provided, single submitter. Criteria: ACMG Guidelines, 2015. Collection method: clinical testing. Allele origin: germline.

Ambry Genetics
Classification: Likely benign for Familial thoracic aortic aneurysm and aortic dissection. Last evaluated: 2022-06-12. Review status: criteria provided, single submitter. Criteria: Ambry Variant Classification Scheme 2023. Collection method: clinical testing. Allele origin: germline.

Revvity Omics, Revvity
Classification: Uncertain significance. Last evaluated: 2019-07-23. Review status: criteria provided, single submitter. Criteria: ACMG Guidelines, 2015. Collection method: clinical testing. Allele origin: germline.

Illumina Laboratory Services, Illumina
Classification: Likely benign for Ehlers-Danlos syndrome, classic type, 1. Last evaluated: 2018-01-13. Review status: criteria provided, single submitter. Criteria: ICSL Variant Classification Criteria 13 December 2019. Collection method: clinical testing. Allele origin: germline.
Comment: This variant was observed in the ICSL laboratory as part of a predisposition screen in an ostensibly healthy population. It had not been previously curated by ICSL or reported in the Human Gene Mutation Database (HGMD: prior to June 1st, 2018), and was therefore a candidate for classification through an automated scoring system. Utilizing variant allele frequency, disease prevalence and penetrance estimates, and inheritance mode, an automated score was calculated to assess if this variant is too frequent to cause the disease. Based on the score and internal cut-off values, a variant classified as likely benign is not then subjected to further curation. The score for this variant resulted in a classification of likely benign for this disease.

PreventionGenetics, part of Exact Sciences
Classification: Likely benign for COL5A1-related condition. Last evaluated: 2019-11-12. Review status: no assertion criteria provided. Collection method: clinical testing. Allele origin: germline. Not counted in ClinVar's aggregate classification.
Comment: This variant is classified as likely benign based on ACMG/AMP sequence variant interpretation guidelines (Richards et al. 2015 PMID: 25741868, with internal and published modifications).

NM_000093.5(COL5A1):c.774T>C (p.Asn258=)

Gene: COL5A1 (collagen type V alpha 1 chain; plus strand). Cytogenetic location: 9q34.3.
Variant type: single nucleotide variant.
Coding change: c.774T>C on transcript NM_000093.5 (MANE Select); coding-DNA position 774, T replaced by C.
Protein change: p.Asn258=; no amino-acid change (asparagine 258 retained).
Molecular consequence: synonymous variant.
Genome position (GRCh38, 1-based): chr9:134,727,385, T>C. VCF-style: chr9-134727385-T-C. GRCh37 (hg19) VCF-style: chr9-137619231-T-C.
Other names: c.774T>C, p.Asn258= (NM_001278074.1).
Identifiers: ClinVar variation 790416 (VCV000790416.23), dbSNP rs199742873, ClinGen allele CA5318516.